The following is an entry in ClinVar:

ClinVar aggregate classification (germline): Uncertain significance. Review status: criteria provided, multiple submitters, no conflicts (2 of 4 stars). 6 submissions from 6 submitters: Uncertain significance (5). 1 of the submissions does not count toward it. Last evaluated 2026-03-28.

Conditions:
PCDH15-related disorder. Also called: PCDH15-related disorders; PCDH15-related condition.
Autosomal recessive nonsyndromic hearing loss 23. Identifiers: Orphanet 90636, MedGen C1836027, MONDO:0012293, OMIM 609533.
Usher syndrome type 1D (USH1D). Also called: USHER SYNDROME, TYPE ID. Identifiers: Orphanet 231169, Orphanet 886, MedGen C1832845, MONDO:0010984, OMIM 601067.
Usher syndrome type 1F (USH1F). Also called: USHER SYNDROME, TYPE IF. Identifiers: Orphanet 231169, Orphanet 886, MedGen C1865885, MONDO:0011186, OMIM 602083.

Allele frequency attached by ClinVar (database versions not stated): gnomAD exomes 0.00014 and 0.00031; gnomAD 0.00017 and 0.00019; ExAC 0.00018; ESP Exome Variant Server 0.00019; TOPMed 0.00021.
gnomAD v4.1: 496 of 1,611,944 alleles (0.031%); highest among the groups gnomAD compares: Non-Finnish European, 0.038%; 1 homozygote.

Submissions (6):

PreventionGenetics, part of Exact Sciences
Classification: Uncertain significance for PCDH15-related condition. Last evaluated: 2026-03-28. Review status: criteria provided, single submitter. Criteria: ACMG Guidelines, 2015. Collection method: clinical testing. Allele origin: germline.
Comment: The PCDH15 c.4646A>C variant is predicted to result in the amino acid substitution p.Glu1549Ala. In a different transcript (NM_001354420), this variant is also designated c.4517A>C (p.Glu1506Ala). To our knowledge, this variant has not been reported in the literature. This variant is present in 0.027% of alleles in individuals of European (Non-Finnish) descent in gnomAD. At this time, the clinical significance of this variant is uncertain due to the absence of conclusive functional and genetic evidence.

CeGaT Center for Human Genetics Tuebingen
Classification: Uncertain significance. Last evaluated: 2026-03-01. Review status: criteria provided, single submitter. Criteria: CeGaT Center For Human Genetics Tuebingen Variant Classification Criteria Version 2. Collection method: clinical testing. Allele origin: germline. Affected: yes. Observed: 2 variant alleles.
Comment: PCDH15: PM2:Supporting, BP4

GeneDx
Classification: Uncertain significance. Last evaluated: 2024-03-10. Review status: criteria provided, single submitter. Criteria: GeneDx Variant Classification Process June 2021. Collection method: clinical testing. Allele origin: germline. Affected: yes.
Comment: Reported using an alternate transcript of the gene; Has not been previously published as pathogenic or benign to our knowledge

Fulgent Genetics
Classification: Uncertain significance for Usher syndrome type 1D; Usher syndrome type 1F; Autosomal recessive nonsyndromic hearing loss 23. Last evaluated: 2022-02-16. Review status: criteria provided, single submitter. Criteria: ACMG Guidelines, 2015. Collection method: clinical testing. Allele origin: unknown.

Breakthrough Genomics
Classification: Uncertain significance. Review status: criteria provided, single submitter. Criteria: ACMG Guidelines, 2015. Collection method: not provided. Allele origin: germline. Inheritance: Autosomal recessive inheritance. Affected: yes.

Department of Pathology and Laboratory Medicine, Sinai Health System
Classification: Uncertain significance. Review status: no assertion criteria provided. Collection method: clinical testing. Allele origin: unknown. Affected: yes. Study: The Canadian Open Genetics Repository (COGR). Not counted in ClinVar's aggregate classification.
Comment: The PCDH15 p.Glu1549Ala variant was not identified in the literature nor was it identified in ClinVar or LOVD 3.0. The variant was identified in dbSNP (ID: rs199834829) and in control databases in 40 of 276952 chromosomes at a frequency of 0.0001444 (Genome Aggregation Database March 6, 2019, v2.1.1). The variant was observed in the following populations: European (non-Finnish) in 34 of 126534 chromosomes (freq: 0.000269), Other in 1 of 7006 chromosomes (freq: 0.000143), Latino in 4 of 34794 chromosomes (freq: 0.000115) and European (Finnish) in 1 of 24866 chromosomes (freq: 0.00004), but was not observed in the African, Ashkenazi Jewish, East Asian, or South Asian populations. The p.Glu1549 residue is not conserved in mammals and three out of four computational analyses (SIFT, AlignGVGD, BLOSUM, MutationTaster) do not suggest a high likelihood of impact to the protein; however, this information is not predictive enough to rule out pathogenicity. The variant occurs outside of the splicing consensus sequence and in silico or computational prediction software programs (SpliceSiteFinder, MaxEntScan, NNSPLICE, GeneSplicer) do not predict a difference in splicing. In summary, based on the above information the clinical significance of this variant cannot be determined with certainty at this time. This variant is classified as a variant of uncertain significance.

NM_001384140.1(PCDH15):c.4712A>C (p.Glu1571Ala)

Gene: PCDH15 (protocadherin related 15; minus strand). Cytogenetic location: 10q21.1.
Variant type: single nucleotide variant.
Coding change: c.4712A>C on transcript NM_001384140.1 (MANE Select); coding-DNA position 4712, A replaced by C.
Protein change: p.Glu1571Ala; replaces glutamic acid 1571 with alanine.
Molecular consequence: missense variant.
Genome position (GRCh38, 1-based): chr10:53,807,090, T>G on the plus strand (A>C on the coding strand, the complement: PCDH15 is on the minus strand). VCF-style: chr10-53807090-T-G. GRCh37 (hg19) VCF-style: chr10-55566850-T-G.
Other names: c.4646A>C (NM_001354429.1); c.4538A>C, p.Glu1513Ala (NM_001142771.2); c.4523A>C, p.Glu1508Ala (NM_001142772.2); c.4517A>C, p.Glu1506Ala (NM_001354420.2); c.4646A>C, p.Glu1549Ala (NM_001354429.2); short protein forms E1506A, E1508A, E1513A, E1549A, E1571A.
Identifiers: ClinVar variation 1050593 (VCV001050593.25), dbSNP rs199834829, ClinGen allele CA5504619.
Genomic context (GRCh38, chr10:53,807,090, plus strand): 5'-TGAAGACGGTTTCTCTGACATTCAGGAGCACTGTCTTCTCCAGTTGAGCTGGTTTCATAC[T>G]CTCGATCAACAACTAACTTGATCATTCTTTTTCTTGCCCACTGATAAAATAAACAAAAAT-3'
Protein context (NP_001371069.1, residues 1561-1581): KRMIKLVVDR[Glu1571Ala]YETSSTGEDS